The following is an entry in ClinVar:

NM_000496.3(CRYBB2):c.79T>G (p.Phe27Val)

Gene: CRYBB2 (crystallin beta B2; plus strand). Cytogenetic location: 22q11.23.
Variant type: single nucleotide variant.
Coding change: c.79T>G on transcript NM_000496.3 (MANE Select); coding-DNA position 79, T replaced by G.
Protein change: p.Phe27Val; replaces phenylalanine 27 with valine.
Molecular consequence: missense variant.
Genome position (GRCh38, 1-based): chr22:25,224,942, T>G. VCF-style: chr22-25224942-T-G. GRCh37 (hg19) VCF-style: chr22-25620909-T-G.
Other names: short protein forms F27V.
Identifiers: ClinVar variation 863971 (VCV000863971.9), dbSNP rs1935386462, ClinGen allele CA410986927.
Genomic context (GRCh38, chr22:25,224,942, plus strand): 5'-TCGTGATGAGGGTCTGAGTCTCGCTTCCTCTTGCAGATCATCATCTTTGAGCAGGAAAAC[T>G]TTCAAGGCCACTCGCATGAGCTCAATGGGCCCTGCCCCAACCTGAAGGAAACTGGCGTGG-3'
Protein context (NP_000487.1, residues 17-37): PKIIIFEQEN[Phe27Val]QGHSHELNGP

ClinVar aggregate classification (germline): Uncertain significance (1 of 4 stars; one submission).

Conditions:
Cataract 3 multiple types. Also called: CATARACT 3, MULTIPLE TYPES, WITH OR WITHOUT MICROCORNEA. Identifiers: Orphanet 1377, MedGen C1832175, MONDO:0011104, OMIM 601547.

Submission:

Labcorp Genetics (formerly Invitae), Labcorp
Classification: Uncertain significance for Cataract 3 multiple types. Last evaluated: 2019-12-31. Review status: criteria provided, single submitter. Criteria: Invitae Variant Classification Sherloc (09022015). Collection method: clinical testing. Allele origin: germline.
Comment: This sequence change replaces phenylalanine with valine at codon 27 of the CRYBB2 protein (p.Phe27Val). The phenylalanine residue is highly conserved and there is a small physicochemical difference between phenylalanine and valine. This variant is not present in population databases (ExAC no frequency). This variant has been observed in individual(s) with congenital cataracts (Invitae). It has also been observed to segregate with disease in related individuals. Algorithms developed to predict the effect of missense changes on protein structure and function (SIFT, PolyPhen-2, Align-GVGD) all suggest that this variant is likely to be disruptive, but these predictions have not been confirmed by published functional studies and their clinical significance is uncertain. In summary, the available evidence is currently insufficient to determine the role of this variant in disease. Therefore, it has been classified as a Variant of Uncertain Significance.